The following is an entry in ClinVar:

NM_001032386.2(SUOX):c.1189C>T (p.Arg397Trp)

Gene: SUOX (sulfite oxidase; plus strand). Cytogenetic location: 12q13.2.
Variant type: single nucleotide variant.
Coding change: c.1189C>T on transcript NM_001032386.2 (MANE Select); coding-DNA position 1189, C replaced by T.
Protein change: p.Arg397Trp; replaces arginine 397 with tryptophan.
Molecular consequence: missense variant.
Genome position (GRCh38, 1-based): chr12:56,004,578, C>T. VCF-style: chr12-56004578-C-T. GRCh37 (hg19) VCF-style: chr12-56398362-C-T.
Other names: c.1189C>T, p.Arg397Trp (NM_000456.3, NM_001032387.2); short protein forms R397W.
Identifiers: ClinVar variation 1428768 (VCV001428768.6), dbSNP rs779639807, ClinGen allele CA6621125.

ClinVar aggregate classification (germline): Uncertain significance (1 of 4 stars; one submission).

Conditions:
Sulfite oxidase deficiency. Also called: Isolated sulfite oxidase deficiency. Identifiers: Orphanet 833, Orphanet 99731, MedGen C0268624, MONDO:0010089, OMIM 272300, HP:0003643.

Allele frequency attached by ClinVar (database versions not stated): gnomAD exomes 0.00001; ExAC 0.00002; TOPMed 0.00002.

Submission:

Labcorp Genetics (formerly Invitae), Labcorp
Classification: Uncertain significance for Sulfite oxidase deficiency. Last evaluated: 2021-08-30. Review status: criteria provided, single submitter. Criteria: Invitae Variant Classification Sherloc (09022015). Collection method: clinical testing. Allele origin: germline.
Comment: This sequence change replaces arginine with tryptophan at codon 397 of the SUOX protein (p.Arg397Trp). The arginine residue is moderately conserved and there is a moderate physicochemical difference between arginine and tryptophan. This variant is present in population databases (rs779639807, ExAC 0.006%). This variant has not been reported in the literature in individuals affected with SUOX-related conditions. Algorithms developed to predict the effect of missense changes on protein structure and function (SIFT, PolyPhen-2, Align-GVGD) all suggest that this variant is likely to be disruptive. In summary, the available evidence is currently insufficient to determine the role of this variant in disease. Therefore, it has been classified as a Variant of Uncertain Significance.